The following is an entry in ClinVar:

ClinVar aggregate classification (germline): Uncertain significance (1 of 4 stars; one submission).

Conditions:
Telangiectasia, hereditary hemorrhagic, type 2 (HHT2). Also called: Telangiectasia, hereditary hemorrhagic, type II; ACVRL1-Related Hereditary Hemorrhagic Telangiectasia. Identifiers: Orphanet 774, MedGen C1838163, MONDO:0010880, OMIM 600376. Disease mechanism: loss of function.

Submission:

Labcorp Genetics (formerly Invitae), Labcorp
Classification: Uncertain significance for Telangiectasia, hereditary hemorrhagic, type 2. Last evaluated: 2022-12-14. Review status: criteria provided, single submitter. Criteria: Invitae Variant Classification Sherloc (09022015). Collection method: clinical testing. Allele origin: germline.
Comment: This variant, c.764_766del, results in the deletion of 1 amino acid(s) of the ACVRL1 protein (p.Asn255del), but otherwise preserves the integrity of the reading frame. This variant is not present in population databases (gnomAD no frequency). This variant has not been reported in the literature in individuals affected with ACVRL1-related conditions. In summary, the available evidence is currently insufficient to determine the role of this variant in disease. Therefore, it has been classified as a Variant of Uncertain Significance.

NM_000020.3(ACVRL1):c.761ACA[1] (p.Asn255del)

Gene: ACVRL1 (activin A receptor like type 1; plus strand). Cytogenetic location: 12q13.13.
Variant type: Microsatellite.
Coding change: c.761ACA[1] on transcript NM_000020.3 (MANE Select); one copy of the 3-base unit ACA starting at c.761; the reference has two copies in a row; one copy, 3 bases deleted.
Protein change: p.Asn255del; deletes asparagine 255.
Molecular consequence: inframe deletion.
Genome position (GRCh38, 1-based): chr12:51,914,577-51,914,579, ACA deleted; deleting any 3 consecutive bases within chr12:51,914,574-51,914,579 gives the same sequence; the position shown is the placement nearest the transcript's 3' end. VCF-style (leftmost placement, unchanged base first): chr12-51914573-GACA-G. GRCh37 (hg19) VCF-style: chr12-52308357-GACA-G.
Other names: c.761ACA[1], p.Asn255del (NM_001077401.2, NM_001406487.1, NM_001406488.1 and 1 more transcripts); c.449ACA[1], p.Asn151del (NM_001406490.1, NM_001406491.1, NM_001406492.1 and 2 more transcripts); c.197ACA[1], p.Asn67del (NM_001406495.1); short protein forms N151del, N255del, N67del.
Identifiers: ClinVar variation 2820868 (VCV002820868.3), dbSNP rs2540162895, ClinGen allele CA2739272045.